The following is an entry in ClinVar:

ClinVar aggregate classification (germline): Uncertain significance (1 of 4 stars; one submission).

Conditions:
Neurodevelopmental disorder with impaired language and ataxia and with or without seizures. Identifiers: MedGen C5562006, MONDO:0859201, OMIM 619580.

Submission:

3billion
Classification: Uncertain significance for Neurodevelopmental disorder with impaired language and ataxia and with or without seizures. Last evaluated: 2024-07-25. Review status: criteria provided, single submitter. Criteria: ACMG Guidelines, 2015. Collection method: clinical testing. Allele origin: germline. Affected: yes.
Comment: The variant is not observed in the gnomAD v4.0.0 dataset. Predicted Consequence/Location: Missense variant In silico tool predictions suggest damaging effect of the variant on gene or gene product [REVEL: 0.80 (>=0.6, sensitivity 0.68 and specificity 0.92); 3Cnet: 0.70 (>=0.6, sensitivity 0.72 and precision 0.9)]. Different missense changes at the same codon (p.Thr660Arg, p.Thr660Lys) have been reported to be associated with GRIK2-related disorder (ClinVar ID: VCV000870382, VCV001180451 /PMID: 32573669, 34375587). However, the evidence of pathogenicity is insufficient at this time. Therefore, this variant is classified as VUS according to the recommendation of ACMG/AMP guideline.

Literature cited by the submitters: PubMed 32573669.

NM_021956.5(GRIK2):c.1979C>T (p.Thr660Ile)

Gene: GRIK2 (glutamate ionotropic receptor kainate type subunit 2; plus strand). Cytogenetic location: 6q16.3.
Variant type: single nucleotide variant.
Coding change: c.1979C>T on transcript NM_021956.5 (MANE Select); coding-DNA position 1979, C replaced by T.
Protein change: p.Thr660Ile; replaces threonine 660 with isoleucine.
Molecular consequence: missense variant.
Genome position (GRCh38, 1-based): chr6:101,928,526, C>T. VCF-style: chr6-101928526-C-T. GRCh37 (hg19) VCF-style: chr6-102376401-C-T.
Other names: c.1979C>T, p.Thr660Ile (NM_001166247.1, NM_175768.3); short protein forms T660I.
Identifiers: ClinVar variation 4072275 (VCV004072275.1).